The following is an entry in ClinVar:

ClinVar aggregate classification (germline): Uncertain significance (0 of 4 stars; one submission).

Conditions:
Prostate cancer. Also called: Malignant tumor of prostate. Identifiers: Orphanet 1331, MedGen C0376358, MONDO:0008315, HP:0012125.

Allele frequency attached by ClinVar (database versions not stated): TOPMed below 0.00001.

Submission:

Science for Life laboratory,  Karolinska Institutet
Classification: Uncertain significance for Malignant tumor of prostate. Review status: no assertion criteria provided. Collection method: not provided. Allele origin: somatic.
Comment: TumorID:SWE-90A
ClinVar note: Converted during submission from Unknown to Uncertain significance.

NM_001318891.2(ZNF184):c.113C>A (p.Thr38Asn)

Gene: ZNF184 (zinc finger protein 184; minus strand). Cytogenetic location: 6p22.1.
Variant type: single nucleotide variant.
Coding change: c.113C>A on transcript NM_001318891.2 (MANE Select); coding-DNA position 113, C replaced by A.
Protein change: p.Thr38Asn; replaces threonine 38 with asparagine.
Molecular consequence: missense variant. On other transcripts: 5 prime UTR variant (2), non-coding transcript variant (2).
Genome position (GRCh38, 1-based): chr6:27,457,372, G>T on the plus strand (C>A on the coding strand, the complement: ZNF184 is on the minus strand). VCF-style: chr6-27457372-G-T. GRCh37 (hg19) VCF-style: chr6-27425151-G-T.
Other names: c.113C>A, p.Thr38Asn (NM_001318892.2, NM_007149.3); c.-145C>A (NM_001318893.2, NM_001347832.2); short protein forms T38N.
Identifiers: ClinVar variation 161657 (VCV000161657.2), dbSNP rs193921063, ClinGen allele CA174543.
Genomic context (GRCh38, chr6:27,457,372, plus strand): 5'-AATGTCACATCCCTGAACAAATCTCTCTGGCCAGGGTCCAGCTGTTTCCATTCTTCCTGG[G>T]TAAAGTCCACTATCACATCCTTGAAAGTCACCGCTTCCTGAAATACCAAACATATTTCTG-3'
Protein context (NP_001305820.1, residues 28-48): VTFKDVIVDF[Thr38Asn]QEEWKQLDPG